The following is an entry in ClinVar:

ClinVar aggregate classification (germline): Uncertain significance (1 of 4 stars; one submission).

Conditions:
Atrial fibrillation, familial, 7 (ATFB7). Identifiers: MedGen C2677106, MONDO:0012828, OMIM 612240.

Allele frequency attached by ClinVar (database versions not stated): TOPMed 0.00002.

Submission:

Labcorp Genetics (formerly Invitae), Labcorp
Classification: Uncertain significance for Atrial fibrillation, familial, 7. Last evaluated: 2024-08-28. Review status: criteria provided, single submitter. Criteria: Invitae Variant Classification Sherloc (09022015). Collection method: clinical testing. Allele origin: germline.
Comment: This sequence change replaces arginine, which is basic and polar, with glutamine, which is neutral and polar, at codon 23 of the KCNA5 protein (p.Arg23Gln). This variant is not present in population databases (gnomAD no frequency). This missense change has been observed in individual(s) with pulmonary arterial hypertension (PMID: 29743074). An algorithm developed to predict the effect of missense changes on protein structure and function outputs the following: PolyPhen-2: "Benign". The glutamine amino acid residue is found in multiple mammalian species, which suggests that this missense change does not adversely affect protein function. In summary, the available evidence is currently insufficient to determine the role of this variant in disease. Therefore, it has been classified as a Variant of Uncertain Significance.

Literature cited by the submitters: PubMed 29743074.

NM_002234.4(KCNA5):c.68G>A (p.Arg23Gln)

Gene: KCNA5 (potassium voltage-gated channel subfamily A member 5; plus strand). Cytogenetic location: 12p13.32.
Variant type: single nucleotide variant.
Coding change: c.68G>A on transcript NM_002234.4 (MANE Select); coding-DNA position 68, G replaced by A.
Protein change: p.Arg23Gln; replaces arginine 23 with glutamine.
Molecular consequence: missense variant.
Genome position (GRCh38, 1-based): chr12:5,044,215, G>A. VCF-style: chr12-5044215-G-A. GRCh37 (hg19) VCF-style: chr12-5153381-G-A.
Other names: short protein forms R23Q.
Identifiers: ClinVar variation 1001400 (VCV001001400.8), dbSNP rs1197530568, ClinGen allele CA383461831.